The following is an entry in ClinVar:

ClinVar aggregate classification (germline): Uncertain significance (1 of 4 stars; one submission).

Conditions:
DIP2B-related disorder. Also called: DIP2B-related condition.

Submission:

PreventionGenetics, part of Exact Sciences
Classification: Uncertain significance for DIP2B-related condition. Last evaluated: 2022-08-18. Review status: criteria provided, single submitter. Criteria: ACMG Guidelines, 2015. Collection method: clinical testing. Allele origin: germline.
Comment: The DIP2B c.515A>C variant is predicted to result in the amino acid substitution p.Glu172Ala. To our knowledge, this variant has not been reported in the literature or in a large population database, indicating this variant is rare. At this time, the clinical significance of this variant is uncertain due to the absence of conclusive functional and genetic evidence.

NM_173602.3(DIP2B):c.515A>C (p.Glu172Ala)

Gene: DIP2B (disco interacting protein 2 homolog B; plus strand). Cytogenetic location: 12q13.12.
Variant type: single nucleotide variant.
Coding change: c.515A>C on transcript NM_173602.3 (MANE Select); coding-DNA position 515, A replaced by C.
Protein change: p.Glu172Ala; replaces glutamic acid 172 with alanine.
Molecular consequence: missense variant.
Genome position (GRCh38, 1-based): chr12:50,671,273, A>C. VCF-style: chr12-50671273-A-C. GRCh37 (hg19) VCF-style: chr12-51065056-A-C.
Other names: short protein forms E172A.
Identifiers: ClinVar variation 2628705 (VCV002628705.1), dbSNP rs2540103060, ClinGen allele CA384834702.